The following is an entry in ClinVar:

ClinVar aggregate classification (germline): Uncertain significance (1 of 4 stars; one submission).

Submission:

GeneDx
Classification: Uncertain significance. Last evaluated: 2025-06-02. Review status: criteria provided, single submitter. Criteria: GeneDx Variant Classification Process June 2021. Collection method: clinical testing. Allele origin: germline. Affected: yes.
Comment: Not observed at significant frequency in large population cohorts (gnomAD); In silico analysis supports that this missense variant has a deleterious effect on protein structure/function; Has not been previously published as pathogenic or benign to our knowledge

NM_078629.4(MSL3):c.1448A>T (p.His483Leu)

Gene: MSL3 (MSL complex subunit 3; plus strand). Cytogenetic location: Xp22.2.
Variant type: single nucleotide variant.
Coding change: c.1448A>T on transcript NM_078629.4 (MANE Select); coding-DNA position 1448, A replaced by T.
Protein change: p.His483Leu; replaces histidine 483 with leucine.
Molecular consequence: missense variant.
Genome position (GRCh38, 1-based): chrX:11,772,687, A>T. VCF-style: chrX-11772687-A-T. GRCh37 (hg19) VCF-style: chrX-11790806-A-T.
Other names: c.1412A>T, p.His471Leu (NM_001193270.2); c.1001A>T, p.His334Leu (NM_001282174.1); c.950A>T, p.His317Leu (NM_006800.4); short protein forms H317L, H334L, H471L, H483L.
Identifiers: ClinVar variation 4536384 (VCV004536384.1).